The following is an entry in ClinVar:

NM_001101362.3(KBTBD13):c.276G>C (p.Ala92=)

Gene: KBTBD13 (kelch repeat and BTB domain containing 13; plus strand). Cytogenetic location: 15q22.31.
Variant type: single nucleotide variant.
Coding change: c.276G>C on transcript NM_001101362.3 (MANE Select); coding-DNA position 276, G replaced by C.
Protein change: p.Ala92=; no amino-acid change (alanine 92 retained).
Molecular consequence: synonymous variant.
Genome position (GRCh38, 1-based): chr15:65,077,091, G>C. VCF-style: chr15-65077091-G-C. GRCh37 (hg19) VCF-style: chr15-65369429-G-C.
Identifiers: ClinVar variation 533004 (VCV000533004.14), dbSNP rs566529505, ClinGen allele CA7613918.
Genomic context (GRCh38, chr15:65,077,091, plus strand): 5'-GGCGGCGGAGGACGAGCTGCTGCAGGCCGTGGAGTGCGCCGCCTTCCTCCAGGCGCCGGC[G>C]CTGGCTCGCTTTCTGGAGCACAACCTCACGTCGGACAACTGCGCATTGCTGTGCGACGCG-3'
Protein context (NP_001094832.1, residues 82-102): VECAAFLQAP[Ala92=]LARFLEHNLT

ClinVar aggregate classification (germline): Likely benign. Review status: criteria provided, single submitter (1 of 4 stars). 2 submissions from 2 submitters: Likely benign (1). 1 of the submissions does not count toward it. Last evaluated 2025-11-03.

Conditions:
Nemaline myopathy 6 (NEM6). Also called: Nemaline myopathy 6, autosomal dominant. Identifiers: Orphanet 171439, MedGen C1836472, MONDO:0012237, OMIM 609273.
KBTBD13-related disorder. Also called: KBTBD13-related condition.

Allele frequency attached by ClinVar (database versions not stated): ExAC below 0.00001; gnomAD 0.00004 and 0.00007; TOPMed 0.00005; 1000 Genomes Project 0.00040; 1000 Genomes Project 30x 0.00125.

Submissions (2):

Labcorp Genetics (formerly Invitae), Labcorp
Classification: Likely benign for Nemaline myopathy 6. Last evaluated: 2025-11-03. Review status: criteria provided, single submitter. Criteria: Invitae Variant Classification Sherloc (09022015). Collection method: clinical testing. Allele origin: germline.

PreventionGenetics, part of Exact Sciences
Classification: Likely benign for KBTBD13-related condition. Last evaluated: 2023-11-06. Review status: no assertion criteria provided. Collection method: clinical testing. Allele origin: germline. Not counted in ClinVar's aggregate classification.
Comment: This variant is classified as likely benign based on ACMG/AMP sequence variant interpretation guidelines (Richards et al. 2015 PMID: 25741868, with internal and published modifications).